The following is an entry in ClinVar:

ClinVar aggregate classification (germline): Uncertain significance. Review status: criteria provided, multiple submitters, no conflicts (2 of 4 stars). 2 submissions from 2 submitters: Uncertain significance (2). Last evaluated 2026-06-03.

Conditions:
Inborn genetic diseases. Identifiers: MedGen C0950123, MeSH D030342.
Marshall syndrome (MRSHS). Identifiers: Orphanet 560, MedGen C0265235, MONDO:0007949, OMIM 154780.

gnomAD v4.1: 1 of 1,612,972 alleles (0.000062%); highest among the groups gnomAD compares: Non-Finnish European, 0.000085%; no homozygotes.

Submissions (2):

Ambry Genetics
Classification: Uncertain significance for Inborn genetic diseases. Last evaluated: 2026-06-03. Review status: criteria provided, single submitter. Criteria: Ambry Variant Classification Scheme 2023. Collection method: clinical testing. Allele origin: germline.

Centre for Mendelian Genomics, University Medical Centre Ljubljana
Classification: Uncertain significance for Marshall syndrome. Last evaluated: 2019-10-03. Review status: criteria provided, single submitter. Criteria: ACMG Guidelines, 2015. Collection method: clinical testing. Allele origin: unknown. Affected: yes.
Comment: This variant was classified as: Uncertain significance. The available evidence on this variant's pathogenicity is insufficient or conflicting. The following ACMG criteria were applied in classifying this variant: PP3.

NM_001854.4(COL11A1):c.4031C>A (p.Pro1344Gln)

Gene: COL11A1 (collagen type XI alpha 1 chain; minus strand). Cytogenetic location: 1p21.1.
Variant type: single nucleotide variant.
Coding change: c.4031C>A on transcript NM_001854.4 (MANE Select); coding-DNA position 4031, C replaced by A.
Protein change: p.Pro1344Gln; replaces proline 1344 with glutamine.
Molecular consequence: missense variant. On other transcripts: non-coding transcript variant (1).
Genome position (GRCh38, 1-based): chr1:102,913,638, G>T on the plus strand (C>A on the coding strand, the complement: COL11A1 is on the minus strand). VCF-style: chr1-102913638-G-T. GRCh37 (hg19) VCF-style: chr1-103379194-G-T.
Other names: c.3914C>A, p.Pro1305Gln (NM_001190709.2); c.4067C>A, p.Pro1356Gln (NM_080629.3); c.3683C>A, p.Pro1228Gln (NM_080630.4); c.4031C>A (NM_001854.3); short protein forms P1344Q, P1356Q, P1228Q, P1305Q.
Identifiers: ClinVar variation 930586 (VCV000930586.4), dbSNP rs528959090, ClinGen allele CA341160265.